The following is an entry in ClinVar:

NM_019066.5(MAGEL2):c.296T>G (p.Met99Arg)

Gene: MAGEL2 (MAGE family member L2; minus strand). Cytogenetic location: 15q11.2.
Variant type: single nucleotide variant.
Coding change: c.296T>G on transcript NM_019066.5 (MANE Select); coding-DNA position 296, T replaced by G.
Protein change: p.Met99Arg; replaces methionine 99 with arginine.
Molecular consequence: missense variant.
Genome position (GRCh38, 1-based): chr15:23,647,447, A>C on the plus strand (T>G on the coding strand, the complement: MAGEL2 is on the minus strand). VCF-style: chr15-23647447-A-C. GRCh37 (hg19) VCF-style: chr15-23892594-A-C.
Other names: short protein forms M99R.
Identifiers: ClinVar variation 5001040 (VCV005001040.1).

ClinVar aggregate classification (germline): Uncertain significance (1 of 4 stars; one submission).

Conditions:
MAGEL2-related disorder. Also called: MAGEL2-related condition.

Submission:

PreventionGenetics, part of Exact Sciences
Classification: Uncertain significance for MAGEL2-related condition. Last evaluated: 2025-02-06. Review status: criteria provided, single submitter. Criteria: ACMG Guidelines, 2015. Collection method: clinical testing. Allele origin: germline.
Comment: The MAGEL2 c.296T>G variant is predicted to result in the amino acid substitution p.Met99Arg. To our knowledge, this variant has not been reported in the literature or in a large population database (gnomAD), indicating this variant is rare. At this time, the clinical significance of this variant is uncertain due to the absence of conclusive functional and genetic evidence.